The following is an entry in ClinVar:

ClinVar aggregate classification (germline): Pathogenic (1 of 4 stars; one submission).

Conditions:
Neurofibromatosis, type 1 (NF1). Also called: VON RECKLINGHAUSEN DISEASE; Peripheral type neurofibromatosis; Neurofibromatosis, type I; NEUROFIBROMATOSIS, TYPE I, SOMATIC. Identifiers: Orphanet 636, MedGen C0027831, MONDO:0018975, OMIM 162200. Disease mechanism: loss of function.

Submission:

Labcorp Genetics (formerly Invitae), Labcorp
Classification: Pathogenic for Neurofibromatosis, type 1. Last evaluated: 2022-12-24. Review status: criteria provided, single submitter. Criteria: Invitae Variant Classification Sherloc (09022015). Collection method: clinical testing. Allele origin: germline.
Comment: This sequence change creates a premature translational stop signal (p.Asp699Glyfs*3) in the NF1 gene. It is expected to result in an absent or disrupted protein product. Loss-of-function variants in NF1 are known to be pathogenic (PMID: 10712197, 23913538). This variant is not present in population databases (gnomAD no frequency). This variant has not been reported in the literature in individuals affected with NF1-related conditions. For these reasons, this variant has been classified as Pathogenic.

Literature cited by the submitters: PubMed 10712197; PubMed 23913538.

NM_001042492.3(NF1):c.2095dup (p.Asp699fs)

Gene: NF1 (neurofibromin 1; plus strand). Cytogenetic location: 17q11.2.
Variant type: Duplication.
Coding change: c.2095dup on transcript NM_001042492.3 (MANE Select); coding-DNA position 2095, one base duplicated (G; older notation c.2095dupG).
Protein change: p.Asp699fs; shifts the reading frame from aspartic acid 699.
Molecular consequence: frameshift variant.
Genome position (GRCh38, 1-based): chr17:31,226,528, G duplicated. VCF-style (leftmost placement, unchanged base first): chr17-31226527-T-TG. GRCh37 (hg19) VCF-style: chr17-29553545-T-TG.
Other names: c.2095dup, p.Asp699Glyfs (NM_000267.4); short protein forms D699fs.
Identifiers: ClinVar variation 2823956 (VCV002823956.3), dbSNP rs2508156036, ClinGen allele CA2739267506.